The following is an entry in ClinVar:

ClinVar aggregate classification (germline): Uncertain significance (1 of 4 stars; one submission).

Conditions:
Chuvash polycythemia. Also called: POLYCYTHEMIA, VHL-DEPENDENT. Identifiers: Orphanet 238557, MedGen C1837915, MONDO:0009892, OMIM 263400.
Von Hippel-Lindau syndrome (VHLS). Also called: von Hippel–Lindau syndrome; VHL syndrome; Von Hippel-Lindau. Identifiers: Orphanet 892, MedGen C0019562, MONDO:0008667, OMIM 193300. Disease mechanism: loss of function.

Allele frequency attached by ClinVar (database versions not stated): gnomAD 0.00001.

Submission:

Labcorp Genetics (formerly Invitae), Labcorp
Classification: Uncertain significance for Von Hippel-Lindau syndrome; Chuvash polycythemia. Last evaluated: 2024-04-09. Review status: criteria provided, single submitter. Criteria: Invitae Variant Classification Sherloc (09022015). Collection method: clinical testing. Allele origin: germline.
Comment: This sequence change falls in intron 1 of the VHL gene. It is not expected to change the encoded amino acid sequence of the VHL protein. However, this sequence change falls within a cryptic exon in the VHL gene, known as exon E1’, which is naturally expressed at low levels in several human tissues (PMID: 29891534). This variant is present in population databases (no rsID available, gnomAD 0.01%). This variant has not been reported in the literature in individuals affected with VHL-related conditions. Algorithms developed to predict the effect of sequence changes on RNA splicing suggest that this variant is not likely to affect RNA splicing. In summary, the available evidence is currently insufficient to determine the role of this variant in disease. Therefore, it has been classified as a Variant of Uncertain Significance.

Literature cited by the submitters: PubMed 29891534.

NM_000551.4(VHL):c.340+610C>T

Genes: VHL (von Hippel-Lindau tumor suppressor; plus strand), LOC107303340 (3p25 von Hippel-Lindau tumor suppressor, E3 ubiquitin protein ligase Alu-mediated recombination region; plus strand). Cytogenetic location: 3p25.3.
Variant type: single nucleotide variant.
Coding change: c.340+610C>T on transcript NM_000551.4 (MANE Select); 610 bases into the intron after coding-DNA position 340, C replaced by T.
Molecular consequence: intron variant. On other transcripts: synonymous variant (1), non-coding transcript variant (1).
Genome position (GRCh38, 1-based): chr3:10,142,797, C>T. VCF-style: chr3-10142797-C-T. GRCh37 (hg19) VCF-style: chr3-10184481-C-T.
Other names: c.375C>T, p.Val125= (NM_001354723.2); c.340+610C>T (NM_198156.3).
Identifiers: ClinVar variation 2931609 (VCV002931609.3), dbSNP rs1446197351, ClinGen allele CA540875882.